The following is an entry in ClinVar:

NM_181552.4(CUX1):c.2745G>A (p.Pro915=)

Gene: CUX1 (cut like homeobox 1; plus strand). Cytogenetic location: 7q22.1.
Variant type: single nucleotide variant.
Coding change: c.2745G>A on transcript NM_181552.4 (MANE Select); coding-DNA position 2745, G replaced by A.
Protein change: p.Pro915=; no amino-acid change (proline 915 retained).
Molecular consequence: synonymous variant. On other transcripts: intron variant (5).
Genome position (GRCh38, 1-based): chr7:102,202,042, G>A. VCF-style: chr7-102202042-G-A. GRCh37 (hg19) VCF-style: chr7-101845322-G-A.
Other names: c.2778G>A, p.Pro926= (NM_001202543.2); c.1255+6439G>A (NM_001913.5); c.1249+6439G>A (NM_181500.4); c.1117+6439G>A (NM_001202545.3); c.1207+6439G>A (NM_001202544.3); c.1138+6439G>A (NM_001202546.3).
Identifiers: ClinVar variation 3043726 (VCV003043726.2), dbSNP rs781846413, ClinGen allele CA4411138.

ClinVar aggregate classification (germline): Likely benign (0 of 4 stars; one submission).

Conditions:
CUX1-related disorder. Also called: CUX1-related condition.

Allele frequency attached by ClinVar (database versions not stated): gnomAD 0.00001; TOPMed 0.00001; ExAC 0.00002.
gnomAD v4.1: 50 of 1,613,926 alleles (0.0031%); highest among the groups gnomAD compares: Middle Eastern, 0.016%; no homozygotes.

Submission:

PreventionGenetics, part of Exact Sciences
Classification: Likely benign for CUX1-related condition. Last evaluated: 2019-05-30. Review status: no assertion criteria provided. Collection method: clinical testing. Allele origin: germline.
Comment: This variant is classified as likely benign based on ACMG/AMP sequence variant interpretation guidelines (Richards et al. 2015 PMID: 25741868, with internal and published modifications).